The following is an entry in ClinVar:

NM_007118.4(TRIO):c.949C>T (p.Arg317Trp)

Gene: TRIO (trio Rho guanine nucleotide exchange factor; plus strand). Cytogenetic location: 5p15.2.
Variant type: single nucleotide variant.
Coding change: c.949C>T on transcript NM_007118.4 (MANE Select); coding-DNA position 949, C replaced by T.
Protein change: p.Arg317Trp; replaces arginine 317 with tryptophan.
Molecular consequence: missense variant. On other transcripts: non-coding transcript variant (1).
Genome position (GRCh38, 1-based): chr5:14,291,124, C>T. VCF-style: chr5-14291124-C-T. GRCh37 (hg19) VCF-style: chr5-14291233-C-T.
Other names: short protein forms R317W.
Identifiers: ClinVar variation 1334569 (VCV001334569.4), dbSNP rs368654118, ClinGen allele CA3205518.

ClinVar aggregate classification (germline): Uncertain significance (1 of 4 stars; one submission).

Allele frequency attached by ClinVar (database versions not stated): ExAC 0.00002; ESP Exome Variant Server 0.00008; TOPMed 0.00002; gnomAD exomes 0.00001; gnomAD 0.00004.
gnomAD v4.1: 35 of 1,613,940 alleles (0.0022%); highest among the groups gnomAD compares: Non-Finnish European, 0.0028%; no homozygotes.

Submission:

Greenwood Genetic Center Diagnostic Laboratories, Greenwood Genetic Center
Classification: Uncertain significance. Last evaluated: 2021-09-15. Review status: criteria provided, single submitter. Criteria: ACMG Guidelines, 2015. Collection method: clinical testing. Allele origin: germline. Affected: yes.
Comment: PP2, PP3, PM2